The following is an entry in ClinVar:

NM_213599.3(ANO5):c.1463T>C (p.Phe488Ser)

Gene: ANO5 (anoctamin 5; plus strand). Cytogenetic location: 11p14.3.
Variant type: single nucleotide variant.
Coding change: c.1463T>C on transcript NM_213599.3 (MANE Select); coding-DNA position 1463, T replaced by C.
Protein change: p.Phe488Ser; replaces phenylalanine 488 with serine.
Molecular consequence: missense variant.
Genome position (GRCh38, 1-based): chr11:22,259,574, T>C. VCF-style: chr11-22259574-T-C. GRCh37 (hg19) VCF-style: chr11-22281120-T-C.
Other names: c.1460T>C, p.Phe487Ser (NM_001142649.2); short protein forms F488S, F487S.
Identifiers: ClinVar variation 653150 (VCV000653150.9), dbSNP rs1590300142, ClinGen allele CA379922081.

ClinVar aggregate classification (germline): Uncertain significance (1 of 4 stars; one submission).

Conditions:
Autosomal recessive limb-girdle muscular dystrophy type 2L (LGMDR12). Also called: Limb-girdle muscular dystrophy, type 2L; Limb-Girdle Muscular Dystrophy R12 Anoctamin-5-Related (LGMD-R12); MUSCULAR DYSTROPHY, LIMB-GIRDLE, AUTOSOMAL RECESSIVE 12. Identifiers: Orphanet 206549, MedGen C1969785, MONDO:0012652, OMIM 611307.
Gnathodiaphyseal dysplasia (GDD). Also called: GNATHODIAPHYSEAL SCLEROSIS; OSTEOGENESIS IMPERFECTA WITH UNUSUAL SKELETAL LESIONS. Identifiers: Orphanet 53697, MedGen C1833736, MONDO:0008151, OMIM 166260.

Submission:

Labcorp Genetics (formerly Invitae), Labcorp
Classification: Uncertain significance for Autosomal recessive limb-girdle muscular dystrophy type 2L; Gnathodiaphyseal dysplasia. Last evaluated: 2018-11-12. Review status: criteria provided, single submitter. Criteria: Invitae Variant Classification Sherloc (09022015). Collection method: clinical testing. Allele origin: germline.
Comment: In summary, the available evidence is currently insufficient to determine the role of this variant in disease. Therefore, it has been classified as a Variant of Uncertain Significance. Algorithms developed to predict the effect of missense changes on protein structure and function are either unavailable or do not agree on the potential impact of this missense change (SIFT: "Tolerated"; PolyPhen-2: "Probably Damaging"; Align-GVGD: "Class C0"). This variant has not been reported in the literature in individuals with ANO5-related disease. This variant is not present in population databases (ExAC no frequency). This sequence change replaces phenylalanine with serine at codon 488 of the ANO5 protein (p.Phe488Ser). The phenylalanine residue is weakly conserved and there is a large physicochemical difference between phenylalanine and serine.